The following is an entry in ClinVar:

ClinVar aggregate classification (germline): Uncertain significance (1 of 4 stars; one submission).

Submission:

Women's Health and Genetics/Laboratory Corporation of America, LabCorp
Classification: Uncertain significance. Last evaluated: 2024-03-28. Review status: criteria provided, single submitter. Criteria: LabCorp Variant Classification Summary - May 2015. Collection method: clinical testing. Allele origin: germline.
Comment: Variant summary: HNF1B c.1318G>A (p.Gly440Arg) results in a non-conservative amino acid change located in the Hepatocyte nuclear factor 1, beta isoform, C-terminal domain (IPR006897) of the encoded protein sequence. Four of five in-silico tools predict a damaging effect of the variant on protein function. The variant was absent in 251484 control chromosomes (gnomAD). The available data on variant occurrences in the general population are insufficient to allow any conclusion about variant significance. To our knowledge, no occurrence of c.1318G>A in individuals affected with Maturity Onset Diabetes Of The Young 5 (Renal Cysts And Diabetes Syndrome) and no experimental evidence demonstrating its impact on protein function have been reported. No submitters have cited clinical-significance assessments for this variant to ClinVar. Based on the evidence outlined above, the variant was classified as uncertain significance.

NM_000458.4(HNF1B):c.1318G>A (p.Gly440Arg)

Gene: HNF1B (HNF1 homeobox B; minus strand). Cytogenetic location: 17q12.
Variant type: single nucleotide variant.
Coding change: c.1318G>A on transcript NM_000458.4 (MANE Select); coding-DNA position 1318, G replaced by A.
Protein change: p.Gly440Arg; replaces glycine 440 with arginine.
Molecular consequence: missense variant.
Genome position (GRCh38, 1-based): chr17:37,704,938, C>T on the plus strand (G>A on the coding strand, the complement: HNF1B is on the minus strand). VCF-style: chr17-37704938-C-T. GRCh37 (hg19) VCF-style: chr17-36064945-C-T.
Other names: c.1240G>A, p.Gly414Arg (NM_001165923.4, NM_001304286.2); c.1318G>A, p.Gly440Arg (NM_001411100.1); short protein forms G414R, G440R.
Identifiers: ClinVar variation 3233736 (VCV003233736.2), dbSNP rs2511709564, ClinGen allele CA398757172.